The following is an entry in ClinVar:

ClinVar aggregate classification (germline): Uncertain significance (1 of 4 stars; one submission).

Conditions:
Immunodeficiency 104. Also called: SCID, AUTOSOMAL RECESSIVE, T CELL-NEGATIVE, B CELL-POSITIVE, NK CELL-POSITIVE; Severe Combined Immune Deficiency, Autosomal Recessive, TCell -Negative, B Cell-Positive, NK Cell-Positive, IL7R-Related; Severe combined immunodeficiency, autosomal recessive, T cell-negative, B cell-positive, NK cell-positive; IMMUNODEFICIENCY 104, SEVERE COMBINED. Identifiers: MedGen C5676890, MONDO:0012163, OMIM 608971.

Submission:

Labcorp Genetics (formerly Invitae), Labcorp
Classification: Uncertain significance for Immunodeficiency 104. Last evaluated: 2023-12-07. Review status: criteria provided, single submitter. Criteria: Invitae Variant Classification Sherloc (09022015). Collection method: clinical testing. Allele origin: germline.
Comment: This sequence change replaces proline, which is neutral and non-polar, with leucine, which is neutral and non-polar, at codon 825 of the PTPRC protein (p.Pro825Leu). This variant is not present in population databases (gnomAD no frequency). This variant has not been reported in the literature in individuals affected with PTPRC-related conditions. ClinVar contains an entry for this variant (Variation ID: 2010229). An algorithm developed to predict the effect of missense changes on protein structure and function (PolyPhen-2) suggests that this variant is likely to be disruptive. In summary, the available evidence is currently insufficient to determine the role of this variant in disease. Therefore, it has been classified as a Variant of Uncertain Significance.

NM_002838.5(PTPRC):c.2474C>T (p.Pro825Leu)

Gene: PTPRC (protein tyrosine phosphatase receptor type C; plus strand). Cytogenetic location: 1q32.1.
Variant type: single nucleotide variant.
Coding change: c.2474C>T on transcript NM_002838.5 (MANE Select); coding-DNA position 2474, C replaced by T.
Protein change: p.Pro825Leu; replaces proline 825 with leucine.
Molecular consequence: missense variant.
Genome position (GRCh38, 1-based): chr1:198,741,939, C>T. VCF-style: chr1-198741939-C-T. GRCh37 (hg19) VCF-style: chr1-198711068-C-T.
Other names: c.1991C>T, p.Pro664Leu (NM_080921.4); short protein forms P664L, P825L.
Identifiers: ClinVar variation 2010229 (VCV002010229.4), dbSNP rs2527990215, ClinGen allele CA344050368.